The following is an entry in ClinVar:

ClinVar aggregate classification (germline): Pathogenic. Review status: criteria provided, multiple submitters, no conflicts (2 of 4 stars). 2 submissions from 2 submitters: Pathogenic (2). Last evaluated 2022-10-13.

Conditions:
Hereditary cancer-predisposing syndrome. Also called: Tumor predisposition; Neoplastic Syndromes, Hereditary; Hereditary Cancer Syndrome; Hereditary neoplastic syndrome. Identifiers: Orphanet 140162, MedGen C0027672, MeSH D009386, MONDO:0015356.
Familial thoracic aortic aneurysm and aortic dissection (TAAD). Also called: Thoracic aortic aneurysms and dissections. Identifiers: Orphanet 91387, MedGen C4707243, MONDO:0019625.
Juvenile polyposis syndrome (JPS). Identifiers: Orphanet 2929, MedGen C0345893, MONDO:0017380, OMIM 174900.

Submissions (2):

Labcorp Genetics (formerly Invitae), Labcorp
Classification: Pathogenic for Juvenile polyposis syndrome. Last evaluated: 2022-10-13. Review status: criteria provided, single submitter. Criteria: Invitae Variant Classification Sherloc (09022015). Collection method: clinical testing. Allele origin: germline.
Comment: ClinVar contains an entry for this variant (Variation ID: 486450). For these reasons, this variant has been classified as Pathogenic. This variant has not been reported in the literature in individuals affected with SMAD4-related conditions. This variant is not present in population databases (gnomAD no frequency). This sequence change creates a premature translational stop signal (p.Gln450Leufs*17) in the SMAD4 gene. It is expected to result in an absent or disrupted protein product. Loss-of-function variants in SMAD4 are known to be pathogenic (PMID: 16152648, 16436638, 22810475).

Ambry Genetics
Classification: Pathogenic for Hereditary cancer-predisposing syndrome; Familial thoracic aortic aneurysm and aortic dissection. Last evaluated: 2022-08-17. Review status: criteria provided, single submitter. Criteria: Ambry Variant Classification Scheme 2023. Collection method: clinical testing. Allele origin: germline.
Comment: The c.1349_1376del28 pathogenic mutation, located in coding exon 10 of the SMAD4 gene, results from a deletion of 28 nucleotides at nucleotide positions 1349 to 1376, causing a translational frameshift with a predicted alternate stop codon (p.Q450Lfs*17). This alteration occurs at the 3' terminus of theSMAD4 gene, is not expected to trigger nonsense-mediated mRNA decay, and impacts the last 103 amino acids of the protein. However, premature stop codons are typically deleterious in nature, the impacted region is critical for protein function, and a significant portion of the protein is affected (Ambry internal data). This alteration has been observed in at least one individual with a personal and/or family history that is consistent with SMAD4-related disease (Ambry internal data). This variant is also considered to be rare based on population cohorts in the Genome Aggregation Database (gnomAD). Based on the supporting evidence, this alteration is interpreted as a disease-causing mutation.

Literature cited by the submitters: PubMed 16152648 (cited by Labcorp Genetics (formerly Invitae), Labcorp); PubMed 16436638 (cited by Labcorp Genetics (formerly Invitae), Labcorp); PubMed 22810475 (cited by Labcorp Genetics (formerly Invitae), Labcorp).

NM_005359.6(SMAD4):c.1349_1376del (p.Gln450fs)

Gene: SMAD4 (SMAD family member 4; plus strand). Cytogenetic location: 18q21.2.
Variant type: Deletion.
Coding change: c.1349_1376del on transcript NM_005359.6 (MANE Select); coding-DNA positions 1349 to 1376, 28 bases deleted (AGGCGGCTACTGCACAAGCTGCAGCAGC).
Protein change: p.Gln450fs; shifts the reading frame from glutamine 450.
Molecular consequence: frameshift variant.
Genome position (GRCh38, 1-based): chr18:51,076,678-51,076,705, AGGCGGCTACTGCACAAGCTGCAGCAGC deleted; deleting any 28 consecutive bases within chr18:51,076,669-51,076,705 gives the same sequence; the c. name uses the placement nearest the transcript's 3' end. VCF-style (leftmost placement, unchanged base first): chr18-51076668-ATGCAGCAGCAGGCGGCTACTGCACAAGC-A. GRCh37 (hg19) VCF-style: chr18-48603038-ATGCAGCAGCAGGCGGCTACTGCACAAGC-A.
Other names: c.1349_1376del28 (NM_005359.5); short protein forms Q450fs.
Identifiers: ClinVar variation 486450 (VCV000486450.8), dbSNP rs876660720, ClinGen allele CA645609184.